The following is an entry in ClinVar:

NM_014889.4(PITRM1):c.95G>A (p.Arg32Gln)

Gene: PITRM1 (pitrilysin metallopeptidase 1; minus strand). Cytogenetic location: 10p15.2.
Variant type: single nucleotide variant.
Coding change: c.95G>A on transcript NM_014889.4 (MANE Select); coding-DNA position 95, G replaced by A.
Protein change: p.Arg32Gln; replaces arginine 32 with glutamine.
Molecular consequence: missense variant. On other transcripts: 5 prime UTR variant (3), non-coding transcript variant (4), intron variant (1).
Genome position (GRCh38, 1-based): chr10:3,170,168, C>T on the plus strand (G>A on the coding strand, the complement: PITRM1 is on the minus strand). VCF-style: chr10-3170168-C-T. GRCh37 (hg19) VCF-style: chr10-3212360-C-T.
Other names: c.95G>A, p.Arg32Gln (NM_001242307.2, NM_001347725.2); c.-477G>A (NM_001347726.2, NM_001347727.2); c.-1206G>A (NM_001347728.2); c.71G>A, p.Arg24Gln (NM_001347729.1, NM_001347730.1); c.63+2549G>A (NM_001242309.1); c.95G>A (NM_001242307.1); short protein forms R24Q, R32Q.
Identifiers: ClinVar variation 2498457 (VCV002498457.30), dbSNP rs115564496, ClinGen allele CA5388338.

ClinVar aggregate classification (germline): Likely benign. Review status: criteria provided, multiple submitters, no conflicts (2 of 4 stars). 3 submissions from 3 submitters: Likely benign (2). 1 of the submissions does not count toward it. Last evaluated 2024-11-25.

Conditions:
PITRM1-related disorder. Also called: PITRM1-related condition.

Allele frequency attached by ClinVar (database versions not stated): ExAC 0.00098; gnomAD 0.00286; ESP Exome Variant Server 0.00324; TOPMed 0.00366; 1000 Genomes Project 0.00419; 1000 Genomes Project 30x 0.00453.
gnomAD v4.1: 930 of 1,613,972 alleles (0.058%); highest among the groups gnomAD compares: African/African-American, 1%; 9 homozygotes.

Submissions (3):

Blueprint Genetics
Classification: Likely benign. Last evaluated: 2024-11-25. Review status: criteria provided, single submitter. Criteria: ACMG Guidelines, 2015. Collection method: clinical testing. Allele origin: germline.

CeGaT Center for Human Genetics Tuebingen
Classification: Likely benign. Last evaluated: 2023-02-01. Review status: criteria provided, single submitter. Criteria: CeGaT Center For Human Genetics Tuebingen Variant Classification Criteria Version 2. Collection method: clinical testing. Allele origin: germline. Affected: yes. Observed: 1 variant allele.
Comment: PITRM1: BP4, BS2

PreventionGenetics, part of Exact Sciences
Classification: Benign for PITRM1-related condition. Last evaluated: 2019-12-23. Review status: no assertion criteria provided. Collection method: clinical testing. Allele origin: germline. Not counted in ClinVar's aggregate classification.
Comment: This variant is classified as benign based on ACMG/AMP sequence variant interpretation guidelines (Richards et al. 2015 PMID: 25741868, with internal and published modifications).